The following is an entry in ClinVar:

NM_000059.4(BRCA2):c.9257-4879A>G

Gene: BRCA2 (BRCA2 DNA repair associated; plus strand). Cytogenetic location: 13q13.1.
Variant type: single nucleotide variant.
Coding change: c.9257-4879A>G on transcript NM_000059.4 (MANE Select); 4879 bases into the intron before coding-DNA position 9257, A replaced by G.
Molecular consequence: intron variant.
Genome position (GRCh38, 1-based): chr13:32,389,810, A>G. VCF-style: chr13-32389810-A-G. GRCh37 (hg19) VCF-style: chr13-32963947-A-G.
Other names: IVS 24-4879A>G.
Identifiers: ClinVar variation 209887 (VCV000209887.1), dbSNP rs11571805, ClinGen allele CA276855.

ClinVar aggregate classification (germline): Benign (3 of 4 stars; one submission).

Conditions:
Breast-ovarian cancer, familial, susceptibility to, 2 (BROVCA2). Also called: BRCA2 Hereditary Breast and Ovarian Cancer. Identifiers: Orphanet 145, MedGen C2675520, MONDO:0012933, OMIM 612555. Disease mechanism: loss of function.

Allele frequency attached by ClinVar (database versions not stated): 1000 Genomes Project 30x 0.02374; TOPMed 0.04588; gnomAD 0.05132 and 0.05255; 1000 Genomes Project 0.02316.
gnomAD v4.1: 7,793 of 152,206 alleles (5.1%); highest among the groups gnomAD compares: Non-Finnish European, 8%; 301 homozygotes.

Submission:

Evidence-based Network for the Interpretation of Germline Mutant Alleles (ENIGMA)
Classification: Benign for Breast-ovarian cancer, familial 2. Last evaluated: 2015-01-12. Review status: reviewed by expert panel. Criteria: ENIGMA BRCA1/2 Classification Criteria (2015). Collection method: curation. Allele origin: germline.
Comment: Class 1 not pathogenic based on frequency >1% in an outbred sampleset. Frequency 0.08179 (European), derived from 1000 genomes (2012-04-30).